The following is an entry in ClinVar:

ClinVar aggregate classification (germline): Uncertain significance (1 of 4 stars; one submission).

Conditions:
Microcephaly, epilepsy, and diabetes syndrome. Identifiers: Orphanet 306558, MedGen C3280240, MONDO:0100328.

Allele frequency attached by ClinVar (database versions not stated): gnomAD exomes 0.00001.
gnomAD v4.1: 7 of 1,614,094 alleles (0.00043%); highest among the groups gnomAD compares: Non-Finnish European, 0.00059%; no homozygotes.

Submission:

Labcorp Genetics (formerly Invitae), Labcorp
Classification: Uncertain significance for Microcephaly, epilepsy, and diabetes syndrome. Last evaluated: 2025-08-04. Review status: criteria provided, single submitter. Criteria: Invitae Variant Classification Sherloc (09022015). Collection method: clinical testing. Allele origin: germline.
Comment: This sequence change replaces glutamine, which is neutral and polar, with leucine, which is neutral and non-polar, at codon 37 of the IER3IP1 protein (p.Gln37Leu). This variant is not present in population databases (gnomAD no frequency). This variant has not been reported in the literature in individuals affected with IER3IP1-related conditions. ClinVar contains an entry for this variant (Variation ID: 972204). An algorithm developed to predict the effect of missense changes on protein structure and function (PolyPhen-2) suggests that this variant is likely to be tolerated. In summary, the available evidence is currently insufficient to determine the role of this variant in disease. Therefore, it has been classified as a Variant of Uncertain Significance.

NM_016097.5(IER3IP1):c.110A>T (p.Gln37Leu)

Gene: IER3IP1 (immediate early response 3 interacting protein 1; minus strand). Cytogenetic location: 18q21.1.
Variant type: single nucleotide variant.
Coding change: c.110A>T on transcript NM_016097.5 (MANE Select); coding-DNA position 110, A replaced by T.
Protein change: p.Gln37Leu; replaces glutamine 37 with leucine.
Molecular consequence: missense variant.
Genome position (GRCh38, 1-based): chr18:47,157,519, T>A on the plus strand (A>T on the coding strand, the complement: IER3IP1 is on the minus strand). VCF-style: chr18-47157519-T-A. GRCh37 (hg19) VCF-style: chr18-44683890-T-A.
Other names: short protein forms Q37L.
Identifiers: ClinVar variation 972204 (VCV000972204.6), dbSNP rs953406190, ClinGen allele CA300177428.